The following is an entry in ClinVar:

NM_001282531.3(ADNP):c.2931A>G (p.Gly977=)

Gene: ADNP (activity dependent neuroprotector homeobox; minus strand). Cytogenetic location: 20q13.13.
Variant type: single nucleotide variant.
Coding change: c.2931A>G on transcript NM_001282531.3 (MANE Select); coding-DNA position 2931, A replaced by G.
Protein change: p.Gly977=; no amino-acid change (glycine 977 retained).
Molecular consequence: synonymous variant.
Genome position (GRCh38, 1-based): chr20:50,891,783, T>C on the plus strand (A>G on the coding strand, the complement: ADNP is on the minus strand). VCF-style: chr20-50891783-T-C. GRCh37 (hg19) VCF-style: chr20-49508320-T-C.
Other names: c.2931A>G, p.Gly977= (NM_001282532.2, NM_001347511.2, NM_015339.5 and 1 more transcripts); c.2931A>G (NM_001282531.2).
Identifiers: ClinVar variation 589201 (VCV000589201.23), dbSNP rs144684998, ClinGen allele CA9908489.
Genomic context (GRCh38, chr20:50,891,783, plus strand): 5'-AGACCAGGTTCCTGGTTTCATTTCGCAGGTATTGTCCTCAAAGTCTGACACTTGTTGGGA[T>C]CCAGGCCCACTCTCAGATGGAGAAGCACCGTCTTTCCACTCAACAACATCGTCTTGGTCA-3'
Protein context (NP_001269460.1, residues 967-987): DGASPSESGP[Gly977=]SQQVSDFEDN

ClinVar aggregate classification (germline): Benign/Likely benign. Review status: criteria provided, multiple submitters, no conflicts (2 of 4 stars). 8 submissions from 8 submitters: Benign (3); Likely benign (4). 1 of the submissions does not count toward it. Last evaluated 2026-01-21.

Conditions:
ADNP-related disorder. Also called: ADNP-related condition.
ADNP-related multiple congenital anomalies - intellectual disability - autism spectrum disorder. Also called: Helsmoortel-Van der Aa Syndrome; ADNP-Related Helsmoortel-Van der Aa Syndrome. Identifiers: Orphanet 404448, MedGen C4014538, MONDO:0014379, OMIM 615873. Disease mechanism: loss of function.
Inborn genetic diseases. Identifiers: MedGen C0950123, MeSH D030342.

Allele frequency attached by ClinVar (database versions not stated): gnomAD exomes 0.00029 and 0.00009; ExAC 0.00035; 1000 Genomes Project 30x 0.00062; 1000 Genomes Project 0.00080; ESP Exome Variant Server 0.00100; gnomAD 0.00126 and 0.00132; TOPMed 0.00127.
gnomAD v4.1: 340 of 1,614,212 alleles (0.021%); highest among the groups gnomAD compares: African/African-American, 0.37%; 1 homozygote.

Submissions (8):

Labcorp Genetics (formerly Invitae), Labcorp
Classification: Benign. Last evaluated: 2026-01-21. Review status: criteria provided, single submitter. Criteria: Invitae Variant Classification Sherloc (09022015). Collection method: clinical testing. Allele origin: germline.

Blueprint Genetics
Classification: Likely benign. Last evaluated: 2023-09-14. Review status: criteria provided, single submitter. Criteria: ACMG Guidelines, 2015. Collection method: clinical testing. Allele origin: germline.

Genome-Nilou Lab
Classification: Benign for ADNP-related multiple congenital anomalies - intellectual disability - autism spectrum disorder. Last evaluated: 2021-12-05. Review status: criteria provided, single submitter. Criteria: ACMG Guidelines, 2015. Collection method: clinical testing. Allele origin: germline. Affected: no.

Fulgent Genetics
Classification: Likely benign for ADNP-related multiple congenital anomalies - intellectual disability - autism spectrum disorder. Last evaluated: 2021-11-18. Review status: criteria provided, single submitter. Criteria: ACMG Guidelines, 2015. Collection method: clinical testing. Allele origin: unknown.

GeneDx
Classification: Benign. Last evaluated: 2019-08-13. Review status: criteria provided, single submitter. Criteria: GeneDx Variant Classification Process June 2021. Collection method: clinical testing. Allele origin: germline. Affected: yes.

Ambry Genetics
Classification: Likely benign for Inborn genetic diseases. Last evaluated: 2017-02-15. Review status: criteria provided, single submitter. Criteria: Ambry Variant Classification Scheme 2023. Collection method: clinical testing. Allele origin: germline.

Breakthrough Genomics
Classification: Likely benign. Review status: criteria provided, single submitter. Criteria: ACMG Guidelines, 2015. Collection method: not provided. Allele origin: germline. Inheritance: Autosomal dominant inheritance. Affected: yes.

PreventionGenetics, part of Exact Sciences
Classification: Likely benign for ADNP-related condition. Last evaluated: 2019-05-24. Review status: no assertion criteria provided. Collection method: clinical testing. Allele origin: germline. Not counted in ClinVar's aggregate classification.
Comment: This variant is classified as likely benign based on ACMG/AMP sequence variant interpretation guidelines (Richards et al. 2015 PMID: 25741868, with internal and published modifications).